The following is an entry in ClinVar:

ClinVar aggregate classification (germline): Uncertain significance (1 of 4 stars; one submission).

gnomAD v4.1: 59 of 1,611,366 alleles (0.0037%); highest among the groups gnomAD compares: Non-Finnish European, 0.0044%; no homozygotes.

Submission:

Labcorp Genetics (formerly Invitae), Labcorp
Classification: Uncertain significance. Last evaluated: 2025-11-24. Review status: criteria provided, single submitter. Criteria: Invitae Variant Classification Sherloc (09022015). Collection method: clinical testing. Allele origin: germline.
Comment: This sequence change replaces alanine, which is neutral and non-polar, with valine, which is neutral and non-polar, at codon 84 of the LMX1B protein (p.Ala84Val). This variant is present in population databases (rs377436751, gnomAD 0.004%). This variant has not been reported in the literature in individuals affected with LMX1B-related conditions. Invitae Evidence Modeling of protein sequence and biophysical properties (such as structural, functional, and spatial information, amino acid conservation, physicochemical variation, residue mobility, and thermodynamic stability) indicates that this missense variant is not expected to disrupt LMX1B protein function with a negative predictive value of 80%. In summary, the available evidence is currently insufficient to determine the role of this variant in disease. Therefore, it has been classified as a Variant of Uncertain Significance.

NM_001174147.2(LMX1B):c.251C>T (p.Ala84Val)

Gene: LMX1B (LIM homeobox transcription factor 1 beta; plus strand). Cytogenetic location: 9q33.3.
Variant type: single nucleotide variant.
Coding change: c.251C>T on transcript NM_001174147.2 (MANE Select); coding-DNA position 251, C replaced by T.
Protein change: p.Ala84Val; replaces alanine 84 with valine.
Molecular consequence: missense variant.
Genome position (GRCh38, 1-based): chr9:126,615,494, C>T. VCF-style: chr9-126615494-C-T. GRCh37 (hg19) VCF-style: chr9-129377773-C-T.
Other names: c.251C>T, p.Ala84Val (NM_001174146.2, NM_002316.4); short protein forms A84V.
Identifiers: ClinVar variation 4748450 (VCV004748450.1).